The following is an entry in ClinVar:

NM_006231.4(POLE):c.325A>G (p.Arg109Gly)

Gene: POLE (DNA polymerase epsilon, catalytic subunit; minus strand). Cytogenetic location: 12q24.33.
Variant type: single nucleotide variant.
Coding change: c.325A>G on transcript NM_006231.4 (MANE Select); coding-DNA position 325, A replaced by G.
Protein change: p.Arg109Gly; replaces arginine 109 with glycine.
Molecular consequence: missense variant.
Genome position (GRCh38, 1-based): chr12:132,680,183, T>C on the plus strand (A>G on the coding strand, the complement: POLE is on the minus strand). VCF-style: chr12-132680183-T-C. GRCh37 (hg19) VCF-style: chr12-133256769-T-C.
Other names: short protein forms R109G.
Identifiers: ClinVar variation 1729499 (VCV001729499.2), dbSNP rs1315872389, ClinGen allele CA387368567.

ClinVar aggregate classification (germline): Uncertain significance (1 of 4 stars; one submission).

Conditions:
Hereditary cancer-predisposing syndrome. Also called: Neoplastic Syndromes, Hereditary; Tumor predisposition; Hereditary Cancer Syndrome; Hereditary neoplastic syndrome. Identifiers: Orphanet 140162, MedGen C0027672, MeSH D009386, MONDO:0015356.

Allele frequency attached by ClinVar (database versions not stated): TOPMed below 0.00001; gnomAD 0.00001.

Submission:

Ambry Genetics
Classification: Uncertain significance for Hereditary cancer-predisposing syndrome. Last evaluated: 2021-11-16. Review status: criteria provided, single submitter. Criteria: Ambry Variant Classification Scheme 2023. Collection method: clinical testing. Allele origin: germline.
Comment: The p.R109G variant (also known as c.325A>G), located in coding exon 4 of the POLE gene, results from an A to G substitution at nucleotide position 325. The arginine at codon 109 is replaced by glycine, an amino acid with dissimilar properties. This amino acid position is conserved. In addition, this alteration is predicted to be tolerated by in silico analysis. Since supporting evidence is limited at this time, the clinical significance of this alteration remains unclear.